The following is an entry in ClinVar:

NM_002467.6(MYC):c.30+4A>T

Gene: MYC (MYC proto-oncogene, bHLH transcription factor; plus strand). Cytogenetic location: 8q24.21.
Variant type: single nucleotide variant.
Coding change: c.30+4A>T on transcript NM_002467.6 (MANE Select); 4 bases into the intron after coding-DNA position 30, A replaced by T.
Molecular consequence: intron variant.
Genome position (GRCh38, 1-based): chr8:127,736,627, A>T. VCF-style: chr8-127736627-A-T. GRCh37 (hg19) VCF-style: chr8-128748873-A-T.
Other names: c.30+4A>T (NM_001354870.1).
Identifiers: ClinVar variation 2658812 (VCV002658812.24), dbSNP rs2536806954, ClinGen allele CA2695201528.
Genomic context (GRCh38, chr8:127,736,627, plus strand): 5'-AAGGCTCTCCTTGCAGCTGCTTAGACGCTGGATTTTTTTCGGGTAGTGGAAAACCAGGTA[A>T]GCACCGAAGTCCACTTGCCTTTTAATTTATTTTTTTATCACTTTAATGCTGAGATGAGTC-3'

ClinVar aggregate classification (germline): Uncertain significance (1 of 4 stars; one submission).

Submission:

CeGaT Center for Human Genetics Tuebingen
Classification: Uncertain significance. Last evaluated: 2023-09-01. Review status: criteria provided, single submitter. Criteria: CeGaT Center For Human Genetics Tuebingen Variant Classification Criteria Version 2. Collection method: clinical testing. Allele origin: germline. Affected: yes. Observed: 1 variant allele.
Comment: MYC: PM2, BP4